The following is an entry in ClinVar:

ClinVar aggregate classification (germline): Likely benign. Review status: criteria provided, multiple submitters, no conflicts (2 of 4 stars). 4 submissions from 4 submitters: Likely benign (4). Last evaluated 2023-05-31.

Conditions:
Hereditary cancer-predisposing syndrome. Also called: Tumor predisposition; Neoplastic Syndromes, Hereditary; Hereditary Cancer Syndrome; Hereditary neoplastic syndrome. Identifiers: Orphanet 140162, MedGen C0027672, MeSH D009386, MONDO:0015356.
Hereditary breast ovarian cancer syndrome. Also called: Hereditary breast and ovarian cancer; Hereditary breast and ovarian cancer syndrome (HBOC); Hereditary breast and/or ovarian cancer syndrome; Breast and ovarian cancer; Hereditary breast and ovarian cancer syndrome; BRCA1- and BRCA2-Associated Hereditary Breast and Ovarian Cancer. Identifiers: Orphanet 145, MedGen C0677776, MeSH D061325, MONDO:0003582. Disease mechanism: loss of function.
Breast-ovarian cancer, familial, susceptibility to, 2 (BROVCA2). Also called: BRCA2 Hereditary Breast and Ovarian Cancer. Identifiers: Orphanet 145, MedGen C2675520, MONDO:0012933, OMIM 612555. Disease mechanism: loss of function.

Submissions (4):

All of Us Research Program, National Institutes of Health
Classification: Likely benign for Breast-ovarian cancer, familial, susceptibility to, 2. Last evaluated: 2023-05-31. Review status: criteria provided, single submitter. Criteria: ACMG Guidelines, 2015. Collection method: clinical testing. Allele origin: germline. Inheritance: Autosomal dominant inheritance. Observed: 1 variant allele, 1 heterozygote.
Comment: This study involves interpretation of variants in research participants for the purpose of population health screening. Participant phenotype was not available at the time of variant classification. Additional details can be found in publication PMID: 35346344, PMCID: PMC8962531

Labcorp Genetics (formerly Invitae), Labcorp
Classification: Likely benign for Hereditary breast ovarian cancer syndrome. Last evaluated: 2022-08-28. Review status: criteria provided, single submitter. Criteria: Invitae Variant Classification Sherloc (09022015). Collection method: clinical testing. Allele origin: germline.

Ambry Genetics
Classification: Likely benign for Hereditary cancer-predisposing syndrome. Last evaluated: 2022-04-04. Review status: criteria provided, single submitter. Criteria: Ambry Variant Classification Scheme 2023. Collection method: clinical testing. Allele origin: germline.

Color Diagnostics, LLC DBA Color Health
Classification: Likely benign for Hereditary cancer-predisposing syndrome. Last evaluated: 2021-09-16. Review status: criteria provided, single submitter. Criteria: ACMG Guidelines, 2015. Collection method: clinical testing. Allele origin: germline.

NM_000059.4(BRCA2):c.6207A>G (p.Leu2069=)

Gene: BRCA2 (BRCA2 DNA repair associated; plus strand). Cytogenetic location: 13q13.1.
Variant type: single nucleotide variant.
Coding change: c.6207A>G on transcript NM_000059.4 (MANE Select); coding-DNA position 6207, A replaced by G.
Protein change: p.Leu2069=; no amino-acid change (leucine 2069 retained).
Molecular consequence: synonymous variant.
Genome position (GRCh38, 1-based): chr13:32,340,562, A>G. VCF-style: chr13-32340562-A-G. GRCh37 (hg19) VCF-style: chr13-32914699-A-G.
Identifiers: ClinVar variation 415646 (VCV000415646.14), dbSNP rs1060504606, ClinGen allele CA16614192.
Genomic context (GRCh38, chr13:32,340,562, plus strand): 5'-GGTAAATTCATCTGCTTTCTCTGGATTTAGTACAGCAAGTGGAAAGCAAGTTTCCATTTT[A>G]GAAAGTTCCTTACACAAAGTTAAGGGAGTGTTAGAGGAATTTGATTTAATCAGAACTGAG-3'
Protein context (NP_000050.3, residues 2059-2079): STASGKQVSI[Leu2069=]ESSLHKVKGV